The following is an entry in ClinVar:

ClinVar aggregate classification (germline): Likely benign. Review status: criteria provided, multiple submitters, no conflicts (2 of 4 stars). 3 submissions from 3 submitters: Likely benign (2). 1 of the submissions does not count toward it. Last evaluated 2018-05-21.

Conditions:
CRISPLD2-related disorder. Also called: CRISPLD2-related condition.

Allele frequency attached by ClinVar (database versions not stated): 1000 Genomes Project 30x 0.00234; 1000 Genomes Project 0.00260; gnomAD 0.00309; TOPMed 0.00336; ESP Exome Variant Server 0.00400.

Submissions (3):

Labcorp Genetics (formerly Invitae), Labcorp
Classification: Likely benign. Last evaluated: 2018-05-21. Review status: criteria provided, single submitter. Criteria: Invitae Variant Classification Sherloc (09022015). Collection method: clinical testing. Allele origin: germline.

Breakthrough Genomics
Classification: Likely benign. Review status: criteria provided, single submitter. Criteria: ACMG Guidelines, 2015. Collection method: not provided. Allele origin: germline. Inheritance: Unknown mechanism. Affected: yes.

PreventionGenetics, part of Exact Sciences
Classification: Likely benign for CRISPLD2-related condition. Last evaluated: 2019-06-19. Review status: no assertion criteria provided. Collection method: clinical testing. Allele origin: germline. Not counted in ClinVar's aggregate classification.
Comment: This variant is classified as likely benign based on ACMG/AMP sequence variant interpretation guidelines (Richards et al. 2015 PMID: 25741868, with internal and published modifications).

NM_031476.4(CRISPLD2):c.432C>A (p.Ser144Arg)

Gene: CRISPLD2 (cysteine rich secretory protein LCCL domain containing 2; plus strand). Cytogenetic location: 16q24.1.
Variant type: single nucleotide variant.
Coding change: c.432C>A on transcript NM_031476.4 (MANE Select); coding-DNA position 432, C replaced by A.
Protein change: p.Ser144Arg; replaces serine 144 with arginine.
Molecular consequence: missense variant.
Genome position (GRCh38, 1-based): chr16:84,849,457, C>A. VCF-style: chr16-84849457-C-A. GRCh37 (hg19) VCF-style: chr16-84883063-C-A.
Other names: short protein forms S144R.
Identifiers: ClinVar variation 710712 (VCV000710712.6), dbSNP rs138500867, ClinGen allele CA8211520.
Genomic context (GRCh38, chr16:84,849,457, plus strand): 5'-GGGGTTCCATGTGCAGTCCTGGTATGACGAGGTGAAGGACTACACCTACCCCTACCCGAG[C>A]GAGTGCAACCCCTGGTGTCCAGAGAGGTGCTCGGGGCCCATGTGCACGCACTACACACAG-3'
Protein context (NP_113664.1, residues 134-154): EVKDYTYPYP[Ser144Arg]ECNPWCPERC